The following is an entry in ClinVar:

NM_001127198.5(TMC6):c.83G>A (p.Ser28Asn)

Gene: TMC6 (transmembrane channel like 6; minus strand). Cytogenetic location: 17q25.3.
Variant type: single nucleotide variant.
Coding change: c.83G>A on transcript NM_001127198.5 (MANE Select); coding-DNA position 83, G replaced by A.
Protein change: p.Ser28Asn; replaces serine 28 with asparagine.
Molecular consequence: missense variant.
Genome position (GRCh38, 1-based): chr17:78,126,622, C>T on the plus strand (G>A on the coding strand, the complement: TMC6 is on the minus strand). VCF-style: chr17-78126622-C-T. GRCh37 (hg19) VCF-style: chr17-76122703-C-T.
Other names: c.83G>A, p.Ser28Asn (NM_001321185.1, NM_001374593.1, NM_001374594.1 and 4 more transcripts); short protein forms S28N.
Identifiers: ClinVar variation 1061308 (VCV001061308.7), dbSNP rs1190491595, ClinGen allele CA401236836.

ClinVar aggregate classification (germline): Uncertain significance (1 of 4 stars; one submission).

Conditions:
Epidermodysplasia verruciformis. Identifiers: Orphanet 302, MedGen C0014522, MONDO:0009176.

Allele frequency attached by ClinVar (database versions not stated): TOPMed below 0.00001; gnomAD 0.00001; gnomAD exomes 0.00001.
gnomAD v4.1: 14 of 1,613,460 alleles (0.00087%); highest among the groups gnomAD compares: African/African-American, 0.0013%; no homozygotes.

Submission:

Labcorp Genetics (formerly Invitae), Labcorp
Classification: Uncertain significance for Epidermodysplasia verruciformis. Last evaluated: 2020-09-16. Review status: criteria provided, single submitter. Criteria: Invitae Variant Classification Sherloc (09022015). Collection method: clinical testing. Allele origin: germline.
Comment: In summary, the available evidence is currently insufficient to determine the role of this variant in disease. Therefore, it has been classified as a Variant of Uncertain Significance. Algorithms developed to predict the effect of missense changes on protein structure and function output the following: SIFT: "Not Available"; PolyPhen-2: "Benign"; Align-GVGD: "Not Available". The asparagine amino acid residue is found in multiple mammalian species, suggesting that this missense change does not adversely affect protein function. These predictions have not been confirmed by published functional studies and their clinical significance is uncertain. This variant has not been reported in the literature in individuals with TMC6-related conditions. This variant is not present in population databases (ExAC no frequency). This sequence change replaces serine with asparagine at codon 28 of the TMC6 protein (p.Ser28Asn). The serine residue is moderately conserved and there is a small physicochemical difference between serine and asparagine.